The following is an entry in ClinVar:

ClinVar aggregate classification (germline): Uncertain significance (1 of 4 stars; one submission).

Conditions:
GNAS-related disorder. Identifiers: MedGen CN380105.

Allele frequency attached by ClinVar (database versions not stated): TOPMed 0.00003.
gnomAD v4.1: 5 of 1,611,920 alleles (0.00031%); highest among the groups gnomAD compares: Admixed American, 0.0083%; no homozygotes.

Submission:

PreventionGenetics, part of Exact Sciences
Classification: Uncertain significance for GNAS-related condition. Last evaluated: 2026-07-01. Review status: criteria provided, single submitter. Criteria: ACMG Guidelines, 2015. Collection method: clinical testing. Allele origin: germline.
Comment: The GNAS c.685G>C variant is predicted to result in the amino acid substitution p.Ala229Pro. In the primary GNAS transcript (NM_000516.5), this variant is found within a pre-coding region (c.-50936G>C). This variant is reported in 0.0087% of alleles in individuals of Latino descent in gnomAD. To our knowledge, this variant has not been reported in the literature. At this time, the clinical significance of this variant is uncertain due to the absence of conclusive functional and genetic evidence.

NM_016592.5(GNAS):c.685G>C (p.Ala229Pro)

Genes: GNAS (GNAS complex locus; plus strand), GNAS-AS1 (GNAS antisense RNA 1; minus strand). Cytogenetic location: 20q13.32.
Variant type: single nucleotide variant.
Coding change: c.685G>C on transcript NM_016592.5 (MANE Plus Clinical); coding-DNA position 685, G replaced by C.
Protein change: p.Ala229Pro; replaces alanine 229 with proline.
Molecular consequence: missense variant. On other transcripts: 5 prime UTR variant (1).
Genome position (GRCh38, 1-based): chr20:58,840,791, G>C. VCF-style: chr20-58840791-G-C. GRCh37 (hg19) VCF-style: chr20-57415846-G-C.
Other names: c.-53G>C (NM_001410912.1); short protein forms A229P.
Identifiers: ClinVar variation 3051301 (VCV003051301.3), dbSNP rs1177136972, ClinGen allele CA409453369.